The following is an entry in ClinVar:

NM_006393.3(NEBL):c.2616G>T (p.Lys872Asn)

Gene: NEBL (nebulette; minus strand). Cytogenetic location: 10p12.31.
Variant type: single nucleotide variant.
Coding change: c.2616G>T on transcript NM_006393.3 (MANE Select); coding-DNA position 2616, G replaced by T.
Protein change: p.Lys872Asn; replaces lysine 872 with asparagine.
Molecular consequence: missense variant. On other transcripts: intron variant (9).
Genome position (GRCh38, 1-based): chr10:20,808,655, C>A on the plus strand (G>T on the coding strand, the complement: NEBL is on the minus strand). VCF-style: chr10-20808655-C-A. GRCh37 (hg19) VCF-style: chr10-21097584-C-A.
Other names: c.421+4114G>T (NM_001377326.1, NM_001377327.1, NM_001377328.1); c.529+4114G>T (NM_213569.2, NM_001173484.2); c.622+1151G>T (NM_001377322.1); c.472+4114G>T (NM_001377324.1); c.463+4114G>T (NM_001377325.1); c.481+4114G>T (NM_001377323.1); short protein forms K872N.
Identifiers: ClinVar variation 222752 (VCV000222752.2), dbSNP rs869025491, ClinGen allele CA351871.

ClinVar aggregate classification (germline): Uncertain significance (1 of 4 stars; one submission).

Allele frequency attached by ClinVar (database versions not stated): TOPMed below 0.00001.
gnomAD v4.1: 25 of 1,612,382 alleles (0.0016%); highest among the groups gnomAD compares: Non-Finnish European, 0.002%; no homozygotes.

Submission:

Ambry Genetics
Classification: Uncertain significance. Last evaluated: 2024-02-16. Review status: criteria provided, single submitter. Criteria: Ambry Variant Classification Scheme 2023. Collection method: clinical testing. Allele origin: germline.
Comment: The p.K872N variant (also known as c.2616G>T), located in coding exon 26 of the NEBL gene, results from a G to T substitution at nucleotide position 2616. The lysine at codon 872 is replaced by asparagine, an amino acid with similar properties. This amino acid position is conserved. In addition, this alteration is predicted to be tolerated by in silico analysis. Based on the available evidence, the clinical significance of this alteration remains unclear.